The following is an entry in ClinVar:

NM_001367943.1(TCF7L2):c.1180G>T (p.Glu394Ter)

Gene: TCF7L2 (transcription factor 7 like 2; plus strand). Cytogenetic location: 10q25.3.
Variant type: single nucleotide variant.
Coding change: c.1180G>T on transcript NM_001367943.1 (MANE Select); coding-DNA position 1180, G replaced by T.
Protein change: p.Glu394Ter; replaces glutamic acid 394 with a stop codon.
Molecular consequence: nonsense.
Genome position (GRCh38, 1-based): chr10:113,152,351, G>T. VCF-style: chr10-113152351-G-T. GRCh37 (hg19) VCF-style: chr10-114912110-G-T.
Other names: c.1180G>T, p.Glu394Ter (NM_001146274.2, NM_001198531.2, NM_001363501.2); c.1252G>T, p.Glu418Ter (NM_001146283.2); c.1099G>T, p.Glu367Ter (NM_001146284.2, NM_001198527.2); c.1111G>T, p.Glu371Ter (NM_001146285.2, NM_001146286.2, NM_001198526.2 and 3 more transcripts); c.1126G>T, p.Glu376Ter (NM_001198525.2); c.1009G>T, p.Glu337Ter (NM_001198530.2); c.751G>T, p.Glu251Ter (NM_001349870.2); c.631G>T, p.Glu211Ter (NM_001349871.1); short protein forms E394*, E418*, E376*, E211*, E337*, E367*, E251*, E371*.
Identifiers: ClinVar variation 2226191 (VCV002226191.2), dbSNP rs2137178349, ClinGen allele CA378409664.

ClinVar aggregate classification (germline): Pathogenic (1 of 4 stars; one submission).

Conditions:
Inborn genetic diseases. Identifiers: MedGen C0950123, MeSH D030342.

Submission:

Ambry Genetics
Classification: Pathogenic for Inborn genetic diseases. Last evaluated: 2020-01-10. Review status: criteria provided, single submitter. Criteria: Ambry Variant Classification Scheme 2023. Collection method: clinical testing. Allele origin: germline.
Comment: The alteration results in a premature stop codon: _x000D_ _x000D_ The c.1111G>T (p.E371*) alteration, located in coding exon 10 of the TCF7L2 gene, consists of a G to T substitution at nucleotide position 1111. This changes the amino acid from a Glutamic acid (E) to a stop codon at amino acid position 371. This alteration is expected to result in loss of function by premature protein truncation or nonsense-mediated mRNA decay. The alteration is not observed in population databases: _x000D_ _x000D_ Based on data from the Genome Aggregation Database (gnomAD), the TCF7L2 c.1111G>T alteration was not observed, with coverage at this position. Based on the available evidence, this alteration is classified as pathogenic.